The following is an entry in ClinVar:

ClinVar aggregate classification (germline): Uncertain significance (1 of 4 stars; one submission).

Allele frequency attached by ClinVar (database versions not stated): ExAC 0.00001; gnomAD exomes 0.00001.
gnomAD v4.1: 7 of 1,613,974 alleles (0.00043%); highest among the groups gnomAD compares: Non-Finnish European, 0.00051%; no homozygotes.

Submission:

Labcorp Genetics (formerly Invitae), Labcorp
Classification: Uncertain significance. Last evaluated: 2024-10-08. Review status: criteria provided, single submitter. Criteria: Invitae Variant Classification Sherloc (09022015). Collection method: clinical testing. Allele origin: germline.
Comment: This sequence change replaces arginine, which is basic and polar, with tryptophan, which is neutral and slightly polar, at codon 335 of the GTPBP2 protein (p.Arg335Trp). This variant is present in population databases (rs757081999, gnomAD 0.0009%). This variant has not been reported in the literature in individuals affected with GTPBP2-related conditions. ClinVar contains an entry for this variant (Variation ID: 2186632). An algorithm developed to predict the effect of missense changes on protein structure and function (PolyPhen-2) suggests that this variant is likely to be disruptive. In summary, the available evidence is currently insufficient to determine the role of this variant in disease. Therefore, it has been classified as a Variant of Uncertain Significance.

NM_019096.5(GTPBP2):c.1003C>T (p.Arg335Trp)

Gene: GTPBP2 (GTP binding protein 2; minus strand). Cytogenetic location: 6p21.1.
Variant type: single nucleotide variant.
Coding change: c.1003C>T on transcript NM_019096.5 (MANE Select); coding-DNA position 1003, C replaced by T.
Protein change: p.Arg335Trp; replaces arginine 335 with tryptophan.
Molecular consequence: missense variant.
Genome position (GRCh38, 1-based): chr6:43,624,607, G>A on the plus strand (C>T on the coding strand, the complement: GTPBP2 is on the minus strand). VCF-style: chr6-43624607-G-A. GRCh37 (hg19) VCF-style: chr6-43592344-G-A.
Other names: c.739C>T, p.Arg247Trp (NM_001286216.2); short protein forms R247W, R335W.
Identifiers: ClinVar variation 2186632 (VCV002186632.4), dbSNP rs757081999, ClinGen allele CA3827657.